The following is an entry in ClinVar:

ClinVar aggregate classification (germline): Uncertain significance (1 of 4 stars; one submission).

Submission:

Ambry Genetics
Classification: Uncertain significance. Last evaluated: 2022-08-01. Review status: criteria provided, single submitter. Criteria: Ambry Variant Classification Scheme 2023. Collection method: clinical testing. Allele origin: germline.
Comment: The p.E60G variant (also known as c.179A>G), located in coding exon 2 of the RECQL gene, results from an A to G substitution at nucleotide position 179. The glutamic acid at codon 60 is replaced by glycine, an amino acid with similar properties. This amino acid position is conserved. In addition, this alteration is predicted to be tolerated by in silico analysis. Since supporting evidence is limited at this time, the clinical significance of this alteration remains unclear.

NM_002907.4(RECQL):c.179A>G (p.Glu60Gly)

Gene: RECQL (RecQ like helicase; minus strand). Cytogenetic location: 12p12.1.
Variant type: single nucleotide variant.
Coding change: c.179A>G on transcript NM_002907.4 (MANE Select); coding-DNA position 179, A replaced by G.
Protein change: p.Glu60Gly; replaces glutamic acid 60 with glycine.
Molecular consequence: missense variant.
Genome position (GRCh38, 1-based): chr12:21,491,554, T>C on the plus strand (A>G on the coding strand, the complement: RECQL is on the minus strand). VCF-style: chr12-21491554-T-C. GRCh37 (hg19) VCF-style: chr12-21644488-T-C.
Other names: c.179A>G, p.Glu60Gly (NM_032941.3); short protein forms E60G.
Identifiers: ClinVar variation 1780322 (VCV001780322.2), dbSNP rs2540404556, ClinGen allele CA384134198.